The following is an entry in ClinVar:

ClinVar aggregate classification (germline): Benign/Likely benign. Review status: criteria provided, multiple submitters, no conflicts (2 of 4 stars). 3 submissions from 3 submitters: Benign (1); Likely benign (2). Last evaluated 2024-10-07.

Conditions:
Familial cancer of breast. Also called: BREAST CANCER, FAMILIAL; hereditary breast carcinoma; Hereditary breast cancer. Identifiers: Orphanet 227535, MedGen C0346153, MONDO:0016419, OMIM 114480. Disease mechanism: loss of function.
Hereditary cancer-predisposing syndrome. Also called: Tumor predisposition; Hereditary neoplastic syndrome; Neoplastic Syndromes, Hereditary; Hereditary Cancer Syndrome. Identifiers: Orphanet 140162, MedGen C0027672, MeSH D009386, MONDO:0015356.

Allele frequency attached by ClinVar (database versions not stated): gnomAD exomes 0.00001.

Submissions (3):

Myriad Genetics, Inc.
Classification: Benign for Familial cancer of breast. Last evaluated: 2024-10-07. Review status: criteria provided, single submitter. Criteria: Myriad Autosomal Dominant, Autosomal Recessive and X-Linked Classification Criteria (2023). Collection method: clinical testing. Allele origin: unknown.
Comment: This variant is considered benign. This variant is a silent/synonymous amino acid change and it is not expected to impact splicing.

Labcorp Genetics (formerly Invitae), Labcorp
Classification: Likely benign for Familial cancer of breast. Last evaluated: 2023-12-27. Review status: criteria provided, single submitter. Criteria: Invitae Variant Classification Sherloc (09022015). Collection method: clinical testing. Allele origin: germline.

Ambry Genetics
Classification: Likely benign for Hereditary cancer-predisposing syndrome. Last evaluated: 2020-06-08. Review status: criteria provided, single submitter. Criteria: Ambry Variant Classification Scheme 2023. Collection method: clinical testing. Allele origin: germline.

NM_007194.4(CHEK2):c.1293G>A (p.Arg431=)

Gene: CHEK2 (checkpoint kinase 2; minus strand). Cytogenetic location: 22q12.1.
Variant type: single nucleotide variant.
Coding change: c.1293G>A on transcript NM_007194.4 (MANE Select); coding-DNA position 1293, G replaced by A.
Protein change: p.Arg431=; no amino-acid change (arginine 431 retained).
Molecular consequence: synonymous variant.
Genome position (GRCh38, 1-based): chr22:28,695,209, C>T on the plus strand (G>A on the coding strand, the complement: CHEK2 is on the minus strand). VCF-style: chr22-28695209-C-T. GRCh37 (hg19) VCF-style: chr22-29091197-C-T.
Other names: c.1422G>A, p.Arg474= (NM_001005735.3); c.630G>A, p.Arg210= (NM_001257387.3); c.1092G>A, p.Arg364= (NM_001349956.3); c.1206G>A, p.Arg402= (NM_145862.3).
Identifiers: ClinVar variation 748296 (VCV000748296.15), dbSNP rs587780175, ClinGen allele CA513944834.